The following is an entry in ClinVar:

NM_052947.4(ALPK2):c.5767C>G (p.Leu1923Val)

Gene: ALPK2 (alpha kinase 2; minus strand). Cytogenetic location: 18q21.31.
Variant type: single nucleotide variant.
Coding change: c.5767C>G on transcript NM_052947.4 (MANE Select); coding-DNA position 5767, C replaced by G.
Protein change: p.Leu1923Val; replaces leucine 1923 with valine.
Molecular consequence: missense variant.
Genome position (GRCh38, 1-based): chr18:58,517,081, G>C on the plus strand (C>G on the coding strand, the complement: ALPK2 is on the minus strand). VCF-style: chr18-58517081-G-C. GRCh37 (hg19) VCF-style: chr18-56184313-G-C.
Other names: short protein forms L1923V.
Identifiers: ClinVar variation 2564114 (VCV002564114.2), dbSNP rs2518862883, ClinGen allele CA402548896.

ClinVar aggregate classification (germline): Uncertain significance (1 of 4 stars; one submission).

Submission:

Ambry Genetics
Classification: Uncertain significance. Last evaluated: 2023-06-08. Review status: criteria provided, single submitter. Criteria: Ambry Variant Classification Scheme 2023. Collection method: clinical testing. Allele origin: germline.
Comment: The p.L1923V variant (also known as c.5767C>G), located in coding exon 8 of the ALPK2 gene, results from a C to G substitution at nucleotide position 5767. The leucine at codon 1923 is replaced by valine, an amino acid with highly similar properties. This amino acid position is conserved. In addition, this alteration is predicted to be tolerated by in silico analysis. Since supporting evidence is limited at this time, the clinical significance of this alteration remains unclear.